The following is an entry in ClinVar:

ClinVar aggregate classification (germline): Likely benign. Review status: criteria provided, multiple submitters, no conflicts (2 of 4 stars). 2 submissions from 2 submitters: Likely benign (2). Last evaluated 2024-08-13.

Conditions:
Malignant hyperthermia, susceptibility to, 1 (MHS1). Also called: Anesthesia related hyperthermia; Malignant hyperpyrexia; Fulminating hyperpyrexia; Pharmacogenic myopathy; RYR1-Related Malignant Hyperthermia Susceptibility; Malignant hyperthermia suceptibility 1. Identifiers: Orphanet 423, MedGen C2930980, MONDO:0007783, OMIM 145600.
RYR1-related disorder. Also called: RYR1-related condition; RYR1-related disorders. Identifiers: MedGen CN239331.

Allele frequency attached by ClinVar (database versions not stated): TOPMed below 0.00001.

Submissions (2):

All of Us Research Program, National Institutes of Health
Classification: Likely benign for Malignant hyperthermia, susceptibility to, 1. Last evaluated: 2024-08-13. Review status: criteria provided, single submitter. Criteria: ACMG Guidelines, 2015. Collection method: clinical testing. Allele origin: germline. Inheritance: Autosomal dominant inheritance. Observed: 3 variant alleles, 3 heterozygotes.
Comment: This study involves interpretation of variants in research participants for the purpose of population health screening. Participant phenotype was not available at the time of variant classification. Additional details can be found in publication PMID: 35346344, PMCID: PMC8962531

Labcorp Genetics (formerly Invitae), Labcorp
Classification: Likely benign for RYR1-related disorder. Last evaluated: 2024-02-01. Review status: criteria provided, single submitter. Criteria: Invitae Variant Classification Sherloc (09022015). Collection method: clinical testing. Allele origin: germline.

NM_000540.3(RYR1):c.2154G>A (p.Leu718=)

Gene: RYR1 (ryanodine receptor 1; plus strand). Cytogenetic location: 19q13.2.
Variant type: single nucleotide variant.
Coding change: c.2154G>A on transcript NM_000540.3 (MANE Select); coding-DNA position 2154, G replaced by A.
Protein change: p.Leu718=; no amino-acid change (leucine 718 retained).
Molecular consequence: synonymous variant.
Genome position (GRCh38, 1-based): chr19:38,458,279, G>A. VCF-style: chr19-38458279-G-A. GRCh37 (hg19) VCF-style: chr19-38948919-G-A.
Other names: c.2154G>A, p.Leu718= (NM_001042723.2).
Identifiers: ClinVar variation 3072535 (VCV003072535.4), dbSNP rs1336240393, ClinGen allele CA507243973.